The following is an entry in ClinVar:

ClinVar aggregate classification (germline): Conflicting classifications of pathogenicity. Review status: criteria provided, conflicting classifications (1 of 4 stars). 5 submissions from 5 submitters: Uncertain significance (1); Likely benign (2). 2 of the submissions do not count toward it. Last evaluated 2026-10-01.

Conditions:
Mirror movements 1 (MRMV1). Identifiers: Orphanet 238722, MedGen C1834870, OMIM 157600, MONDO:0008002.
Amenorrhea. Identifiers: MedGen C0002453, MONDO:0001836, HP:0000141.

Allele frequency attached by ClinVar (database versions not stated): 1000 Genomes Project 0.00080; TOPMed 0.00275; gnomAD exomes 0.00435; gnomAD 0.00296; 1000 Genomes Project 30x 0.00094; ESP Exome Variant Server 0.00461.
gnomAD v4.1: 6,785 of 1,614,060 alleles (0.42%); highest among the groups gnomAD compares: Non-Finnish European, 0.52%; 15 homozygotes.

Submissions (5):

CeGaT Center for Human Genetics Tuebingen
Classification: Likely benign. Last evaluated: 2026-10-01. Review status: criteria provided, single submitter. Criteria: CeGaT Center For Human Genetics Tuebingen Variant Classification Criteria Version 2. Collection method: clinical testing. Allele origin: germline. Affected: yes. Observed: 11 variant alleles.
Comment: DCC: BS2

Molecular Genetics, Royal Melbourne Hospital
Classification: Likely benign for Mirror movements 1. Last evaluated: 2023-05-04. Review status: criteria provided, single submitter. Criteria: ACMG Guidelines, 2015. Collection method: clinical testing. Allele origin: germline. Affected: yes.
Comment: European Non-Finnish population allele frequency is 0.4842% (rs141813053, 663/128942 alleles, 2 homozygotes in gnomAD v2.1). Based on the classification scheme RMH Modified ACMG/AMP Guidelines v1.4.0, this variant is classified as LIKELY BENIGN. Following criteria are met: BS1

Breakthrough Genomics
Classification: Uncertain significance. Review status: criteria provided, single submitter. Criteria: ACMG Guidelines, 2015. Collection method: not provided. Allele origin: germline. Inheritance: Autosomal dominant inheritance. Affected: yes.

Yale Center for Mendelian Genomics, Yale University
Classification: Uncertain significance for Amenorrhea. Last evaluated: 2021-03-08. Review status: no assertion criteria provided. Collection method: literature only. Allele origin: unknown. Affected: yes. Observed: 2 heterozygotes. Study: Yale Center for Mendelian Genomics. Not counted in ClinVar's aggregate classification.

GeneReviews
No classification provided. Condition: Mirror movements 1. Review status: no classification provided. Collection method: literature only. Allele origin: germline. Affected: yes. Not counted in ClinVar's aggregate classification.
Comment: May be associated with a higher risk of CMM.

Literature cited by the submitters: PubMed 32870266 (cited by Yale Center for Mendelian Genomics, Yale University); PubMed 24808016 (cited by GeneReviews); NCBI Bookshelf NBK279760 (cited by GeneReviews).

NM_005215.4(DCC):c.1409G>A (p.Gly470Asp)

Gene: DCC (DCC netrin 1 receptor; plus strand). Cytogenetic location: 18q21.2.
Variant type: single nucleotide variant.
Coding change: c.1409G>A on transcript NM_005215.4 (MANE Select); coding-DNA position 1409, G replaced by A.
Protein change: p.Gly470Asp; replaces glycine 470 with aspartic acid.
Molecular consequence: missense variant.
Genome position (GRCh38, 1-based): chr18:53,157,503, G>A. VCF-style: chr18-53157503-G-A. GRCh37 (hg19) VCF-style: chr18-50683873-G-A.
Other names: short protein forms G470D.
Identifiers: ClinVar variation 187790 (VCV000187790.44), dbSNP rs141813053, ClinGen allele CA347148.